The following is an entry in ClinVar:

NM_194248.3(OTOF):c.5713-1G>A

Gene: OTOF (otoferlin; minus strand). Cytogenetic location: 2p23.3.
Variant type: single nucleotide variant.
Coding change: c.5713-1G>A on transcript NM_194248.3 (MANE Select); the canonical splice acceptor site of the intron before coding-DNA position 5713, G replaced by A.
Molecular consequence: splice acceptor variant.
Genome position (GRCh38, 1-based): chr2:26,460,748, C>T on the plus strand (G>A on the coding strand, the complement: OTOF is on the minus strand). VCF-style: chr2-26460748-C-T. GRCh37 (hg19) VCF-style: chr2-26683616-C-T.
Other names: c.5713-1G>A (NM_001287489.2); c.3412-1G>A (NM_194323.3, NM_004802.4); c.3643-1G>A (NM_194322.3).
Identifiers: ClinVar variation 3601558 (VCV003601558.1).

ClinVar aggregate classification (germline): Likely pathogenic (1 of 4 stars; one submission).

Conditions:
Autosomal recessive nonsyndromic hearing loss 9. Also called: NEUROSENSORY NONSYNDROMIC RECESSIVE DEAFNESS 9; OTOF-Related Hearing Loss; Deafness, autosomal recessive 9; AUDITORY NEUROPATHY, AUTOSOMAL RECESSIVE, 1, TEMPERATURE-SENSITIVE. Identifiers: Orphanet 90636, MedGen C1832828, MONDO:0010986, OMIM 601071.

Submission:

Institute of Rare Diseases, West China Hospital, Sichuan University
Classification: Likely pathogenic for Autosomal recessive nonsyndromic hearing loss 9. Last evaluated: 2025-01-09. Review status: criteria provided, single submitter. Criteria: ClinGen HL ACMG Specifications v1. Collection method: research. Allele origin: germline. Affected: yes.
Comment: PVS1;PM2_Supporting